The following is an entry in ClinVar:

ClinVar aggregate classification (germline): Uncertain significance (1 of 4 stars; one submission).

Conditions:
Leigh syndrome (NULS). Also called: Leigh's syndrome; LEIGH SYNDROME, NUCLEAR; Leigh's necrotizing encephalopathy; Leigh's disease; Leigh Syndrome (mtDNA deletion); Leigh Disease. Identifiers: Orphanet 506, MedGen C2931891, MONDO:0009723, OMIM 256000.

Allele frequency attached by ClinVar (database versions not stated): TOPMed below 0.00001.

Submission:

Labcorp Genetics (formerly Invitae), Labcorp
Classification: Uncertain significance for Leigh syndrome. Last evaluated: 2021-08-29. Review status: criteria provided, single submitter. Criteria: Invitae Variant Classification Sherloc (09022015). Collection method: clinical testing. Allele origin: germline.
Comment: This sequence change replaces alanine with proline at codon 19 of the SURF1 protein (p.Ala19Pro). The alanine residue is weakly conserved and there is a small physicochemical difference between alanine and proline. The frequency data for this variant in the population databases is considered unreliable, as metrics indicate insufficient coverage at this position in the ExAC database. This variant has not been reported in the literature in individuals affected with SURF1-related conditions. Algorithms developed to predict the effect of missense changes on protein structure and function are either unavailable or do not agree on the potential impact of this missense change (SIFT: "Tolerated"; PolyPhen-2: "Not Available"; Align-GVGD: "Class C0"). In summary, the available evidence is currently insufficient to determine the role of this variant in disease. Therefore, it has been classified as a Variant of Uncertain Significance.

NM_003172.4(SURF1):c.55G>C (p.Ala19Pro)

Genes: SURF1 (SURF1 cytochrome c oxidase assembly factor; minus strand), LOC130002899 (ATAC-STARR-seq lymphoblastoid silent region 20452; plus strand). Cytogenetic location: 9q34.2.
Variant type: single nucleotide variant.
Coding change: c.55G>C on transcript NM_003172.4 (MANE Select); coding-DNA position 55, G replaced by C.
Protein change: p.Ala19Pro; replaces alanine 19 with proline.
Molecular consequence: missense variant. On other transcripts: intron variant (1).
Genome position (GRCh38, 1-based): chr9:133,356,320, C>G on the plus strand (G>C on the coding strand, the complement: SURF1 is on the minus strand). VCF-style: chr9-133356320-C-G. GRCh37 (hg19) VCF-style: chr9-136223175-C-G.
Other names: c.-222+80G>C (NM_001280787.1); short protein forms A19P.
Identifiers: ClinVar variation 1416703 (VCV001416703.3), dbSNP rs1836582383, ClinGen allele CA375695112.